The following is an entry in ClinVar:

NM_022042.4(SLC26A1):c.625C>T (p.Gln209Ter)

Genes: IDUA (alpha-L-iduronidase; plus strand), SLC26A1 (solute carrier family 26 member 1; minus strand). Cytogenetic location: 4p16.3.
Variant type: single nucleotide variant.
Coding change: c.625C>T on transcript NM_022042.4 (MANE Select); coding-DNA position 625, C replaced by T.
Protein change: p.Gln209Ter; replaces glutamine 209 with a stop codon.
Molecular consequence: nonsense. On other transcripts: intron variant (2).
Genome position (GRCh38, 1-based): chr4:990,314, G>A on the plus strand (C>T on the coding strand, the complement: SLC26A1 is on the minus strand). VCF-style: chr4-990314-G-A. GRCh37 (hg19) VCF-style: chr4-984102-G-A.
Other names: c.625C>T, p.Gln209Ter (NM_213613.4); c.576+814C>T (NM_134425.4); c.299+2365G>A (NM_000203.5); short protein forms Q209*.
Identifiers: ClinVar variation 1931679 (VCV001931679.5), dbSNP rs1172659493, ClinGen allele CA355956220.

ClinVar aggregate classification (germline): Uncertain significance (1 of 4 stars; one submission).

gnomAD v4.1: 15 of 1,605,020 alleles (0.00093%); highest among the groups gnomAD compares: Non-Finnish European, 0.0013%; no homozygotes.

Submission:

Labcorp Genetics (formerly Invitae), Labcorp
Classification: Uncertain significance. Last evaluated: 2022-04-11. Review status: criteria provided, single submitter. Criteria: Invitae Variant Classification Sherloc (09022015). Collection method: clinical testing. Allele origin: germline.
Comment: In summary, the available evidence is currently insufficient to determine the role of this variant in disease. Therefore, it has been classified as a Variant of Uncertain Significance. Experimental studies and prediction algorithms are not available or were not evaluated, and the functional significance of this variant is currently unknown. This variant has not been reported in the literature in individuals affected with SLC26A1-related conditions. The frequency data for this variant in the population databases is considered unreliable, as metrics indicate poor data quality at this position in the gnomAD database. This sequence change creates a premature translational stop signal (p.Gln209*) in the SLC26A1 gene. While this is not anticipated to result in nonsense mediated decay, it is expected to disrupt the last 493 amino acid(s) of the SLC26A1 protein.